The following is an entry in ClinVar:

NM_000051.4(ATM):c.6043C>T (p.Pro2015Ser)

Genes: ATM (ATM serine/threonine kinase; plus strand), C11orf65 (chromosome 11 open reading frame 65; minus strand). Cytogenetic location: 11q22.3.
Variant type: single nucleotide variant.
Coding change: c.6043C>T on transcript NM_000051.4 (MANE Select); coding-DNA position 6043, C replaced by T.
Protein change: p.Pro2015Ser; replaces proline 2015 with serine.
Molecular consequence: missense variant. On other transcripts: intron variant (2).
Genome position (GRCh38, 1-based): chr11:108,315,859, C>T. VCF-style: chr11-108315859-C-T. GRCh37 (hg19) VCF-style: chr11-108186586-C-T.
Other names: c.6043C>T, p.Pro2015Ser (NM_001351834.2); c.641-6788G>A (NM_001330368.2); c.*39-6788G>A (NM_001351110.2); short protein forms P2015S.
Identifiers: ClinVar variation 3964916 (VCV003964916.1).

ClinVar aggregate classification (germline): Uncertain significance (1 of 4 stars; one submission).

Conditions:
Hereditary cancer-predisposing syndrome. Also called: Neoplastic Syndromes, Hereditary; Tumor predisposition; Hereditary Cancer Syndrome; Hereditary neoplastic syndrome. Identifiers: Orphanet 140162, MedGen C0027672, MeSH D009386, MONDO:0015356.

Submission:

Ambry Genetics
Classification: Uncertain significance for Hereditary cancer-predisposing syndrome. Last evaluated: 2025-05-31. Review status: criteria provided, single submitter. Criteria: Ambry Variant Classification Scheme 2023. Collection method: clinical testing. Allele origin: germline.
Comment: The p.P2015S variant (also known as c.6043C>T), located in coding exon 40 of the ATM gene, results from a C to T substitution at nucleotide position 6043. The proline at codon 2015 is replaced by serine, an amino acid with similar properties. This amino acid position is conserved. In addition, the in silico prediction for this alteration is inconclusive. Based on the available evidence, the clinical significance of this variant remains unclear.